The following is an entry in ClinVar:

ClinVar aggregate classification (germline): Likely benign. Review status: criteria provided, multiple submitters, no conflicts (2 of 4 stars). 2 submissions from 2 submitters: Likely benign (2). Last evaluated 2026-06-01.

Allele frequency attached by ClinVar (database versions not stated): ExAC 0.00001; gnomAD 0.00001; gnomAD exomes 0.00001 and 0.00002; TOPMed 0.00002.
gnomAD v4.1: 11 of 1,613,140 alleles (0.00068%); highest among the groups gnomAD compares: Admixed American, 0.01%; no homozygotes.

Submissions (2):

CeGaT Center for Human Genetics Tuebingen
Classification: Likely benign. Last evaluated: 2026-06-01. Review status: criteria provided, single submitter. Criteria: CeGaT Center For Human Genetics Tuebingen Variant Classification Criteria Version 2. Collection method: clinical testing. Allele origin: germline. Affected: yes. Observed: 1 variant allele.
Comment: GATAD2B: BP4, BP7

Labcorp Genetics (formerly Invitae), Labcorp
Classification: Likely benign. Last evaluated: 2025-09-24. Review status: criteria provided, single submitter. Criteria: Invitae Variant Classification Sherloc (09022015). Collection method: clinical testing. Allele origin: germline.

NM_020699.4(GATAD2B):c.984G>A (p.Thr328=)

Gene: GATAD2B (GATA zinc finger domain containing 2B; minus strand). Cytogenetic location: 1q21.3.
Variant type: single nucleotide variant.
Coding change: c.984G>A on transcript NM_020699.4 (MANE Select); coding-DNA position 984, G replaced by A.
Protein change: p.Thr328=; no amino-acid change (threonine 328 retained).
Molecular consequence: synonymous variant.
Genome position (GRCh38, 1-based): chr1:153,816,505, C>T on the plus strand (G>A on the coding strand, the complement: GATAD2B is on the minus strand). VCF-style: chr1-153816505-C-T. GRCh37 (hg19) VCF-style: chr1-153788981-C-T.
Identifiers: ClinVar variation 1566513 (VCV001566513.10), dbSNP rs752001843, ClinGen allele CA1120718.